The following is an entry in ClinVar:

ClinVar aggregate classification (germline): Uncertain significance. Review status: criteria provided, multiple submitters, no conflicts (2 of 4 stars). 2 submissions from 2 submitters: Uncertain significance (2). Last evaluated 2026-02-01.

gnomAD v4.1: 2 of 1,169,448 alleles (0.00017%); highest among the groups gnomAD compares: Non-Finnish European, 0.00023%; no homozygotes.

Submissions (2):

CeGaT Center for Human Genetics Tuebingen
Classification: Uncertain significance. Last evaluated: 2026-02-01. Review status: criteria provided, single submitter. Criteria: CeGaT Center For Human Genetics Tuebingen Variant Classification Criteria Version 2. Collection method: clinical testing. Allele origin: germline. Affected: yes. Observed: 1 variant allele.
Comment: IRS4: PM2

Ambry Genetics
Classification: Uncertain significance. Last evaluated: 2025-08-06. Review status: criteria provided, single submitter. Criteria: Ambry Variant Classification Scheme 2023. Collection method: clinical testing. Allele origin: germline.

NM_001379150.1(IRS4):c.643G>A (p.Gly215Arg)

Gene: IRS4 (insulin receptor substrate 4; minus strand). Cytogenetic location: Xq22.3.
Variant type: single nucleotide variant.
Coding change: c.643G>A on transcript NM_001379150.1 (MANE Select); coding-DNA position 643, G replaced by A.
Protein change: p.Gly215Arg; replaces glycine 215 with arginine.
Molecular consequence: missense variant.
Genome position (GRCh38, 1-based): chrX:108,735,702, C>T on the plus strand (G>A on the coding strand, the complement: IRS4 is on the minus strand). VCF-style: chrX-108735702-C-T. GRCh37 (hg19) VCF-style: chrX-107978932-C-T.
Other names: c.643G>A, p.Gly215Arg (NM_001440817.1, NM_003604.2); short protein forms G215R.
Identifiers: ClinVar variation 4276848 (VCV004276848.5).